The following is an entry in ClinVar:

ClinVar aggregate classification (germline): Uncertain significance. Review status: criteria provided, single submitter (1 of 4 stars). 2 submissions from 2 submitters: Uncertain significance (1). 1 of the submissions does not count toward it. Last evaluated 2024-09-27.

Conditions:
EPPK1-related disorder. Also called: EPPK1-related condition.

Allele frequency attached by ClinVar (database versions not stated): ExAC 0.00006; ESP Exome Variant Server 0.00016; gnomAD 0.00018; TOPMed 0.00030.
gnomAD v4.1: 55 of 1,613,284 alleles (0.0034%); highest among the groups gnomAD compares: African/African-American, 0.071%; no homozygotes.

Submissions (2):

Ambry Genetics
Classification: Uncertain significance. Last evaluated: 2024-09-27. Review status: criteria provided, single submitter. Criteria: Ambry Variant Classification Scheme 2023. Collection method: clinical testing. Allele origin: germline.

PreventionGenetics, part of Exact Sciences
Classification: Likely benign for EPPK1-related condition. Last evaluated: 2023-03-08. Review status: no assertion criteria provided. Collection method: clinical testing. Allele origin: germline. Not counted in ClinVar's aggregate classification.
Comment: This variant is classified as likely benign based on ACMG/AMP sequence variant interpretation guidelines (Richards et al. 2015 PMID: 25741868, with internal and published modifications).

NM_031308.4(EPPK1):c.6515T>G (p.Leu2172Arg)

Gene: EPPK1 (epiplakin 1; minus strand). Cytogenetic location: 8q24.3.
Variant type: single nucleotide variant.
Coding change: c.6515T>G on transcript NM_031308.4 (MANE Select); coding-DNA position 6515, T replaced by G.
Protein change: p.Leu2172Arg; replaces leucine 2172 with arginine.
Molecular consequence: missense variant.
Genome position (GRCh38, 1-based): chr8:143,866,739, A>C on the plus strand (T>G on the coding strand, the complement: EPPK1 is on the minus strand). VCF-style: chr8-143866739-A-C. GRCh37 (hg19) VCF-style: chr8-144940907-A-C.
Other names: c.6515T>G (NM_031308.1); short protein forms L2172R.
Identifiers: ClinVar variation 3048910 (VCV003048910.3), dbSNP rs374472225, ClinGen allele CA4921713.
Genomic context (GRCh38, chr8:143,866,739, plus strand): 5'-ATTATGGCTGAGCTGAGGAGTTCAGAAGCTGTGATCTGTCGTCTAATTCCTTGGAACCAC[A>C]GGTGTTTGTTGCTGGTTTCCTGCTTCTCGATCAACTCTAAGATGAGCTGCGCTACCGTCT-3'
Protein context (NP_112598.3, residues 2162-2182): IEKQETSNKH[Leu2172Arg]WFQGIRRQIT